The following is an entry in ClinVar:

NM_004055.5(CAPN5):c.1921T>C (p.Ter641Arg)

Gene: CAPN5 (calpain 5; plus strand). Cytogenetic location: 11q13.5.
Variant type: single nucleotide variant.
Coding change: c.1921T>C on transcript NM_004055.5 (MANE Select); coding-DNA position 1921, T replaced by C.
Protein change: p.Ter641Arg.
Molecular consequence: stop lost.
Genome position (GRCh38, 1-based): chr11:77,123,868, T>C. VCF-style: chr11-77123868-T-C. GRCh37 (hg19) VCF-style: chr11-76834914-T-C.
Other names: *641R.
Identifiers: ClinVar variation 954748 (VCV000954748.7), dbSNP rs1555043383, ClinGen allele CA381945858.

ClinVar aggregate classification (germline): Uncertain significance (1 of 4 stars; one submission).

Allele frequency attached by ClinVar (database versions not stated): gnomAD exomes below 0.00001 and 0.00001.
gnomAD v4.1: 9 of 1,612,616 alleles (0.00056%); highest among the groups gnomAD compares: Non-Finnish European, 0.00068%; no homozygotes.

Submission:

Labcorp Genetics (formerly Invitae), Labcorp
Classification: Uncertain significance. Last evaluated: 2022-10-18. Review status: criteria provided, single submitter. Criteria: Invitae Variant Classification Sherloc (09022015). Collection method: clinical testing. Allele origin: germline.
Comment: In summary, the available evidence is currently insufficient to determine the role of this variant in disease. Therefore, it has been classified as a Variant of Uncertain Significance. ClinVar contains an entry for this variant (Variation ID: 954748). This variant has not been reported in the literature in individuals affected with CAPN5-related conditions. This variant is not present in population databases (gnomAD no frequency). This sequence change disrupts the translational stop signal of the CAPN5 mRNA. It is expected to extend the length of the CAPN5 protein by 71 additional amino acid residues.